The following is an entry in ClinVar:

ClinVar aggregate classification (germline): Likely benign. Review status: criteria provided, multiple submitters, no conflicts (2 of 4 stars). 3 submissions from 3 submitters: Likely benign (3). Last evaluated 2025-07-03.

Conditions:
Autosomal recessive limb-girdle muscular dystrophy type 2J (LGMDR10). Also called: MUSCULAR DYSTROPHY, LIMB-GIRDLE, AUTOSOMAL RECESSIVE 10; Limb-girdle muscular dystrophy, type 2J. Identifiers: Orphanet 140922, MedGen C1837342, MONDO:0012127, OMIM 608807.
Dilated cardiomyopathy 1G (CMD1G). Identifiers: Orphanet 154, MedGen C1858763, MONDO:0011400, OMIM 604145.

Allele frequency attached by ClinVar (database versions not stated): gnomAD exomes 0.00002; ExAC 0.00003; gnomAD 0.00003; TOPMed 0.00003; 1000 Genomes Project 30x 0.00016; 1000 Genomes Project 0.00020.
gnomAD v4.1: 26 of 1,612,998 alleles (0.0016%); highest among the groups gnomAD compares: Admixed American, 0.013%; no homozygotes.

Submissions (3):

Labcorp Genetics (formerly Invitae), Labcorp
Classification: Likely benign for Dilated cardiomyopathy 1G; Autosomal recessive limb-girdle muscular dystrophy type 2J. Last evaluated: 2025-07-03. Review status: criteria provided, single submitter. Criteria: Invitae Variant Classification Sherloc (09022015). Collection method: clinical testing. Allele origin: germline.

ARUP Laboratories, Molecular Genetics and Genomics, ARUP Laboratories
Classification: Likely benign. Last evaluated: 2020-12-11. Review status: criteria provided, single submitter. Criteria: ARUP Molecular Germline Variant Investigation Process 2021. Collection method: clinical testing. Allele origin: germline.

GeneDx
Classification: Likely benign. Last evaluated: 2018-01-03. Review status: criteria provided, single submitter. Criteria: GeneDx Variant Classification (06012015). Collection method: clinical testing. Allele origin: germline. Affected: yes.
Comment: This variant is considered likely benign or benign based on one or more of the following criteria: it is a conservative change, it occurs at a poorly conserved position in the protein, it is predicted to be benign by multiple in silico algorithms, and/or has population frequency not consistent with disease.

NM_001267550.2(TTN):c.39463+18T>G

Gene: TTN (titin; minus strand). Cytogenetic location: 2q31.2.
Variant type: single nucleotide variant.
Coding change: c.39463+18T>G on transcript NM_001267550.2 (MANE Select); 18 bases into the intron after coding-DNA position 39463, T replaced by G.
Molecular consequence: intron variant.
Genome position (GRCh38, 1-based): chr2:178,651,648, A>C on the plus strand (T>G on the coding strand, the complement: TTN is on the minus strand). VCF-style: chr2-178651648-A-C. GRCh37 (hg19) VCF-style: chr2-179516375-A-C.
Other names: c.34942+18T>G (NM_001256850.1); c.13283-9331T>G (NM_003319.4); c.13859-9331T>G (NM_133437.4); c.13658-9331T>G (NM_133432.3); c.32161+18T>G (NM_133378.4).
Identifiers: ClinVar variation 514616 (VCV000514616.16), dbSNP rs550378650, ClinGen allele CA1996716.